The following is an entry in ClinVar:

ClinVar aggregate classification (germline): Uncertain significance (1 of 4 stars; one submission).

Submission:

Labcorp Genetics (formerly Invitae), Labcorp
Classification: Uncertain significance. Last evaluated: 2024-07-21. Review status: criteria provided, single submitter. Criteria: Invitae Variant Classification Sherloc (09022015). Collection method: clinical testing. Allele origin: germline.
Comment: This sequence change replaces alanine, which is neutral and non-polar, with serine, which is neutral and polar, at codon 734 of the FGFR3 protein (p.Ala734Ser). This variant is not present in population databases (gnomAD no frequency). This variant has not been reported in the literature in individuals affected with FGFR3-related conditions. Advanced modeling of protein sequence and biophysical properties (such as structural, functional, and spatial information, amino acid conservation, physicochemical variation, residue mobility, and thermodynamic stability) performed at Invitae indicates that this missense variant is not expected to disrupt FGFR3 protein function with a negative predictive value of 95%. In summary, the available evidence is currently insufficient to determine the role of this variant in disease. Therefore, it has been classified as a Variant of Uncertain Significance.

NM_000142.5(FGFR3):c.2200G>T (p.Ala734Ser)

Gene: FGFR3 (fibroblast growth factor receptor 3; plus strand). Cytogenetic location: 4p16.3.
Variant type: single nucleotide variant.
Coding change: c.2200G>T on transcript NM_000142.5 (MANE Select); coding-DNA position 2200, G replaced by T.
Protein change: p.Ala734Ser; replaces alanine 734 with serine.
Molecular consequence: missense variant. On other transcripts: non-coding transcript variant (1).
Genome position (GRCh38, 1-based): chr4:1,806,860, G>T. VCF-style: chr4-1806860-G-T. GRCh37 (hg19) VCF-style: chr4-1808587-G-T.
Other names: c.2206G>T, p.Ala736Ser (NM_001163213.2); c.2203G>T, p.Ala735Ser (NM_001354809.2); c.2132G>T, p.Arg711Leu (NM_001354810.2); c.1864G>T, p.Ala622Ser (NM_022965.4); short protein forms A736S, A622S, A734S, A735S, R711L.
Identifiers: ClinVar variation 3715200 (VCV003715200.2).